The following is an entry in ClinVar:

NM_001130438.3(SPTAN1):c.6577-121C>T

Gene: SPTAN1 (spectrin alpha, non-erythrocytic 1; plus strand). Cytogenetic location: 9q34.11.
Variant type: single nucleotide variant.
Coding change: c.6577-121C>T on transcript NM_001130438.3 (MANE Select); 121 bases into the intron before coding-DNA position 6577, C replaced by T.
Molecular consequence: intron variant.
Genome position (GRCh38, 1-based): chr9:128,627,265, C>T. VCF-style: chr9-128627265-C-T. GRCh37 (hg19) VCF-style: chr9-131389544-C-T.
Other names: c.6577-121C>T (NM_001363759.2); c.6562-121C>T (NM_003127.4); c.6517-121C>T (NM_001363765.2); c.6502-121C>T (NM_001195532.2).
Identifiers: ClinVar variation 670134 (VCV000670134.2), dbSNP rs1572914, ClinGen allele CA15603773.

ClinVar aggregate classification (germline): Benign. Review status: criteria provided, multiple submitters, no conflicts (2 of 4 stars). 2 submissions from 2 submitters: Benign (2). Last evaluated 2018-06-18.

Allele frequency attached by ClinVar (database versions not stated): gnomAD exomes 0.13186; gnomAD 0.17941 and 0.18251; TOPMed 0.19144; 1000 Genomes Project 30x 0.26921; 1000 Genomes Project 0.27057.
gnomAD v4.1: 117,218 of 828,070 alleles (14%); highest among the groups gnomAD compares: East Asian, 45%; 12,277 homozygotes.

Submissions (2):

GeneDx
Classification: Benign. Last evaluated: 2018-06-18. Review status: criteria provided, single submitter. Criteria: GeneDx Variant Classification (06012015). Collection method: clinical testing. Allele origin: germline. Affected: yes.
Comment: This variant is considered likely benign or benign based on one or more of the following criteria: it is a conservative change, it occurs at a poorly conserved position in the protein, it is predicted to be benign by multiple in silico algorithms, and/or has population frequency not consistent with disease.

Breakthrough Genomics
Classification: Benign. Review status: criteria provided, single submitter. Criteria: ACMG Guidelines, 2015. Collection method: not provided. Allele origin: germline. Inheritance: Autosomal dominant inheritance. Affected: yes.